The following is an entry in ClinVar:

ClinVar aggregate classification (germline): Uncertain significance. Review status: criteria provided, multiple submitters, no conflicts (2 of 4 stars). 4 submissions from 4 submitters: Uncertain significance (4). Last evaluated 2025-03-31.

Conditions:
Long QT syndrome 11 (LQT11). Identifiers: Orphanet 101016, Orphanet 768, MedGen C2678483, MONDO:0012738, OMIM 611820.
Cardiovascular phenotype. Identifiers: MedGen CN230736.
Long QT syndrome (LQTS). Identifiers: MedGen C0023976, MeSH D008133, MONDO:0002442. Disease mechanism: loss of function. Inheritance: Various modes of inheritance.

Allele frequency attached by ClinVar (database versions not stated): ExAC 0.00001; gnomAD exomes 0.00002; TOPMed 0.00002; gnomAD 0.00003 and 0.00004.
gnomAD v4.1: 28 of 1,613,466 alleles (0.0017%); highest among the groups gnomAD compares: African/African-American, 0.004%; no homozygotes.

Submissions (4):

Ambry Genetics
Classification: Uncertain significance for Cardiovascular phenotype. Last evaluated: 2025-03-31. Review status: criteria provided, single submitter. Criteria: Ambry Variant Classification Scheme 2023. Collection method: clinical testing. Allele origin: germline.
Comment: The p.T1379M variant (also known as c.4136C>T), located in coding exon 14 of the AKAP9 gene, results from a C to T substitution at nucleotide position 4136. The threonine at codon 1379 is replaced by methionine, an amino acid with similar properties. This amino acid position is not well conserved in available vertebrate species. In addition, this alteration is predicted to be tolerated by in silico analysis. The evidence for this gene-disease relationship is limited; therefore, the clinical significance of this alteration is unclear.

Labcorp Genetics (formerly Invitae), Labcorp
Classification: Uncertain significance for Long QT syndrome. Last evaluated: 2024-10-22. Review status: criteria provided, single submitter. Criteria: Invitae Variant Classification Sherloc (09022015). Collection method: clinical testing. Allele origin: germline.
Comment: This sequence change replaces threonine, which is neutral and polar, with methionine, which is neutral and non-polar, at codon 1379 of the AKAP9 protein (p.Thr1379Met). This variant is present in population databases (rs767728528, gnomAD 0.006%). This variant has not been reported in the literature in individuals affected with AKAP9-related conditions. ClinVar contains an entry for this variant (Variation ID: 838911). An algorithm developed to predict the effect of missense changes on protein structure and function (PolyPhen-2) suggests that this variant is likely to be disruptive. In summary, the available evidence is currently insufficient to determine the role of this variant in disease. Therefore, it has been classified as a Variant of Uncertain Significance.

Fulgent Genetics
Classification: Uncertain significance for Long QT syndrome 11. Last evaluated: 2021-08-13. Review status: criteria provided, single submitter. Criteria: ACMG Guidelines, 2015. Collection method: clinical testing. Allele origin: unknown.

Baylor Genetics
Classification: Uncertain significance for Long QT syndrome 11. Last evaluated: 2019-11-16. Review status: criteria provided, single submitter. Criteria: ACMG Guidelines, 2015. Collection method: clinical testing. Allele origin: unknown. Affected: yes.
Comment: This variant was determined to be of uncertain significance according to ACMG Guidelines, 2015 [PMID:25741868].

NM_005751.5(AKAP9):c.4136C>T (p.Thr1379Met)

Gene: AKAP9 (A-kinase anchoring protein 9; plus strand). Cytogenetic location: 7q21.2.
Variant type: single nucleotide variant.
Coding change: c.4136C>T on transcript NM_005751.5 (MANE Select); coding-DNA position 4136, C replaced by T.
Protein change: p.Thr1379Met; replaces threonine 1379 with methionine.
Molecular consequence: missense variant.
Genome position (GRCh38, 1-based): chr7:92,022,997, C>T. VCF-style: chr7-92022997-C-T. GRCh37 (hg19) VCF-style: chr7-91652311-C-T.
Other names: c.4136C>T, p.Thr1379Met (NM_147185.3); short protein forms T1379M.
Identifiers: ClinVar variation 838911 (VCV000838911.14), dbSNP rs767728528, ClinGen allele CA4336483.
Genomic context (GRCh38, chr7:92,022,997, plus strand): 5'-AAAACTATGAGGCAGAGATCCACTGTTTACAGAAGAGGCTTCAAGCTGTTAGTGAGTCCA[C>T]GGTTCCGCCAAGGTATTCATCTGCTTATAGCTTCATTCAACAGTATTTGTAGCTTTGTAA-3'
Protein context (NP_005742.4, residues 1369-1389): QKRLQAVSES[Thr1379Met]VPPSLPVDSV